The following is an entry in ClinVar:

ClinVar aggregate classification (germline): Uncertain significance (1 of 4 stars; one submission).

Allele frequency attached by ClinVar (database versions not stated): TOPMed 0.00002; gnomAD 0.00003.

Submission:

Labcorp Genetics (formerly Invitae), Labcorp
Classification: Uncertain significance. Last evaluated: 2022-06-22. Review status: criteria provided, single submitter. Criteria: Invitae Variant Classification Sherloc (09022015). Collection method: clinical testing. Allele origin: germline.
Comment: This variant is present in population databases (rs767711263, gnomAD 0.002%). This sequence change replaces arginine, which is basic and polar, with serine, which is neutral and polar, at codon 23 of the LRRC10 protein (p.Arg23Ser). This variant has not been reported in the literature in individuals affected with LRRC10-related conditions. In summary, the available evidence is currently insufficient to determine the role of this variant in disease. Therefore, it has been classified as a Variant of Uncertain Significance. Algorithms developed to predict the effect of missense changes on protein structure and function (SIFT, PolyPhen-2, Align-GVGD) all suggest that this variant is likely to be tolerated.

NM_201550.4(LRRC10):c.69G>T (p.Arg23Ser)

Gene: LRRC10 (leucine rich repeat containing 10; minus strand). Cytogenetic location: 12q15.
Variant type: single nucleotide variant.
Coding change: c.69G>T on transcript NM_201550.4 (MANE Select); coding-DNA position 69, G replaced by T.
Protein change: p.Arg23Ser; replaces arginine 23 with serine.
Molecular consequence: missense variant.
Genome position (GRCh38, 1-based): chr12:69,610,770, C>A on the plus strand (G>T on the coding strand, the complement: LRRC10 is on the minus strand). VCF-style: chr12-69610770-C-A. GRCh37 (hg19) VCF-style: chr12-70004550-C-A.
Other names: short protein forms R23S.
Identifiers: ClinVar variation 1426914 (VCV001426914.7), dbSNP rs767711263, ClinGen allele CA6681145.
Genomic context (GRCh38, chr12:69,610,770, plus strand): 5'-GCGGCGTAACTGGCTCCCACTCAGATCCACCATCTTGTCCAGCGGCATCTCACGGAGGTC[C>A]CTGACCACATAGTTCTGGCAACGGTCAGCAGGGATGAAGGCCACGAGGGCCCTGATGGTG-3'
Protein context (NP_963844.2, residues 13-33): PADRCQNYVV[Arg23Ser]DLREMPLDKM